The following is an entry in ClinVar:

ClinVar aggregate classification (germline): Uncertain significance (1 of 4 stars; one submission).

Conditions:
Ullrich congenital muscular dystrophy 2 (UCMD2). Identifiers: Orphanet 75840, MedGen C4225314, MONDO:0014654, OMIM 616470.
Bethlem myopathy 2 (BTHLM2). Identifiers: Orphanet 536516, Orphanet 610, MedGen C4225313, MONDO:0034022, OMIM 616471.

Submission:

Labcorp Genetics (formerly Invitae), Labcorp
Classification: Uncertain significance for Bethlem myopathy 2; Ullrich congenital muscular dystrophy 2. Last evaluated: 2022-07-06. Review status: criteria provided, single submitter. Criteria: Invitae Variant Classification Sherloc (09022015). Collection method: clinical testing. Allele origin: germline.
Comment: This sequence change replaces proline, which is neutral and non-polar, with histidine, which is basic and polar, at codon 1032 of the COL12A1 protein (p.Pro1032His). This variant is not present in population databases (gnomAD no frequency). This variant has not been reported in the literature in individuals affected with COL12A1-related conditions. Algorithms developed to predict the effect of missense changes on protein structure and function are either unavailable or do not agree on the potential impact of this missense change (SIFT: "Deleterious"; PolyPhen-2: "Possibly Damaging"; Align-GVGD: "Class C0"). In summary, the available evidence is currently insufficient to determine the role of this variant in disease. Therefore, it has been classified as a Variant of Uncertain Significance.

NM_004370.6(COL12A1):c.3095C>A (p.Pro1032His)

Gene: COL12A1 (collagen type XII alpha 1 chain; minus strand). Cytogenetic location: 6q13.
Variant type: single nucleotide variant.
Coding change: c.3095C>A on transcript NM_004370.6 (MANE Select); coding-DNA position 3095, C replaced by A.
Protein change: p.Pro1032His; replaces proline 1032 with histidine.
Molecular consequence: missense variant. On other transcripts: intron variant (1).
Genome position (GRCh38, 1-based): chr6:75,156,412, G>T on the plus strand (C>A on the coding strand, the complement: COL12A1 is on the minus strand). VCF-style: chr6-75156412-G-T. GRCh37 (hg19) VCF-style: chr6-75866128-G-T.
Other names: c.74-3930C>A (NM_080645.3); short protein forms P1032H.
Identifiers: ClinVar variation 2014401 (VCV002014401.4), dbSNP rs2533426910, ClinGen allele CA364754211.